The following is an entry in ClinVar:

NM_006904.7(PRKDC):c.3629A>G (p.Asp1210Gly)

Gene: PRKDC (protein kinase, DNA-activated, catalytic subunit; minus strand). Cytogenetic location: 8q11.21.
Variant type: single nucleotide variant.
Coding change: c.3629A>G on transcript NM_006904.7 (MANE Select); coding-DNA position 3629, A replaced by G.
Protein change: p.Asp1210Gly; replaces aspartic acid 1210 with glycine.
Molecular consequence: missense variant.
Genome position (GRCh38, 1-based): chr8:47,893,357, T>C on the plus strand (A>G on the coding strand, the complement: PRKDC is on the minus strand). VCF-style: chr8-47893357-T-C. GRCh37 (hg19) VCF-style: chr8-48805917-T-C.
Other names: c.3629A>G, p.Asp1210Gly (NM_001081640.2); short protein forms D1210G.
Identifiers: ClinVar variation 3425376 (VCV003425376.1).

ClinVar aggregate classification (germline): Uncertain significance (1 of 4 stars; one submission).

Submission:

Ambry Genetics
Classification: Uncertain significance. Last evaluated: 2024-10-28. Review status: criteria provided, single submitter. Criteria: Ambry Variant Classification Scheme 2023. Collection method: clinical testing. Allele origin: germline.
Comment: The p.D1210G variant (also known as c.3629A>G), located in coding exon 31 of the PRKDC gene, results from an A to G substitution at nucleotide position 3629. The aspartic acid at codon 1210 is replaced by glycine, an amino acid with similar properties. This amino acid position is conserved. In addition, this alteration is predicted to be tolerated by in silico analysis. Based on the available evidence, the clinical significance of this variant remains unclear.